The following is an entry in ClinVar:

ClinVar aggregate classification (germline): Benign. Review status: criteria provided, multiple submitters, no conflicts (2 of 4 stars). 3 submissions from 3 submitters: Benign (2). 1 of the submissions does not count toward it. Last evaluated 2026-01-12.

Conditions:
MAG-related disorder. Also called: MAG-related condition.
Hereditary spastic paraplegia 75. Also called: Spastic paraplegia 75, autosomal recessive. Identifiers: Orphanet 459056, MedGen C4225250, MONDO:0014729, OMIM 616680.

Allele frequency attached by ClinVar (database versions not stated): gnomAD exomes 0.00102 and 0.00286; ExAC 0.00348; 1000 Genomes Project 30x 0.00968; gnomAD 0.01016 and 0.01072; 1000 Genomes Project 0.01018; TOPMed 0.01142; ESP Exome Variant Server 0.01308.
gnomAD v4.1: 3,084 of 1,573,478 alleles (0.2%); highest among the groups gnomAD compares: African/African-American, 3.5%; 58 homozygotes.

Submissions (3):

Labcorp Genetics (formerly Invitae), Labcorp
Classification: Benign for Hereditary spastic paraplegia 75. Last evaluated: 2026-01-12. Review status: criteria provided, single submitter. Criteria: Invitae Variant Classification Sherloc (09022015). Collection method: clinical testing. Allele origin: germline.

Mayo Clinic Laboratories, Mayo Clinic
Classification: Benign. Last evaluated: 2023-11-06. Review status: criteria provided, single submitter. Criteria: ACMG Guidelines, 2015. Collection method: clinical testing. Allele origin: germline. Observed: 5 variant alleles.
Comment: BS1, BS2, BP4

PreventionGenetics, part of Exact Sciences
Classification: Benign for MAG-related condition. Last evaluated: 2024-04-02. Review status: no assertion criteria provided. Collection method: clinical testing. Allele origin: germline. Not counted in ClinVar's aggregate classification.
Comment: This variant is classified as benign based on ACMG/AMP sequence variant interpretation guidelines (Richards et al. 2015 PMID: 25741868, with internal and published modifications).

NM_002361.4(MAG):c.409A>G (p.Ile137Val)

Gene: MAG (myelin associated glycoprotein; plus strand). Cytogenetic location: 19q13.12.
Variant type: single nucleotide variant.
Coding change: c.409A>G on transcript NM_002361.4 (MANE Select); coding-DNA position 409, A replaced by G.
Protein change: p.Ile137Val; replaces isoleucine 137 with valine.
Molecular consequence: missense variant.
Genome position (GRCh38, 1-based): chr19:35,295,975, A>G. VCF-style: chr19-35295975-A-G. GRCh37 (hg19) VCF-style: chr19-35786878-A-G.
Other names: p.Ile137Val; c.334A>G, p.Ile112Val (NM_001199216.2); c.409A>G, p.Ile137Val (NM_080600.3); short protein forms I137V, I112V.
Identifiers: ClinVar variation 542302 (VCV000542302.14), dbSNP rs113328438, ClinGen allele CA9375992.
Genomic context (GRCh38, chr19:35,295,975, plus strand): 5'-TTCCGTGGGGACCTGGGCGGCTACAACCAGTACACCTTCTCAGAGCACAGCGTCCTGGAT[A>G]TCGTCAGTGAGTCCCCAGCGGTTGTGCAGGCACCGGGAGCTGGGGCAGCGGGGCGGGAAG-3'
Protein context (NP_002352.1, residues 127-147): YTFSEHSVLD[Ile137Val]VNTPNIVVPP